The following is an entry in ClinVar:

ClinVar aggregate classification (germline): Conflicting classifications of pathogenicity. Review status: criteria provided, conflicting classifications (1 of 4 stars). 3 submissions from 3 submitters: Likely pathogenic (1); Uncertain significance (2). Last evaluated 2026-06-23.

Conditions:
FGFR3-related chondrodysplasia. Identifiers: Orphanet 93420, MedGen C5681604, MONDO:0019685.

gnomAD v4.1: 7 of 1,606,900 alleles (0.00044%); highest among the groups gnomAD compares: Non-Finnish European, 0.0006%; no homozygotes.

Submissions (3):

Genomenon, Inc
Classification: Uncertain significance for FGFR3-related chondrodysplasia. Last evaluated: 2026-06-23. Review status: criteria provided, single submitter. Criteria: Genomenon Sequence Variant Interpretation Standards - Updated. Collection method: curation. Allele origin: germline. Affected: no.
Comment: FGFR3 p.Ser249Tyr (c.746C>A) is a missense variant that changes the amino acid at codon 249 from Serine to Tyrosine. This variant has been reported in the published literature (PMID:34194850). This variant is located in a mutational hotspot and/or important functional domain. It is absent or not present at a significant frequency in gnomAD. In silico models predict that this variant is possibly or probably damaging. In conclusion, we classify FGFR3 p.Ser249Tyr (c.746C>A) as a variant of uncertain significance.

GeneDx
Classification: Likely pathogenic. Last evaluated: 2025-01-13. Review status: criteria provided, single submitter. Criteria: GeneDx Variant Classification Process June 2021. Collection method: clinical testing. Allele origin: germline. Affected: yes.
Comment: Not observed at significant frequency in large population cohorts (gnomAD); In silico analysis supports that this missense variant has a deleterious effect on protein structure/function; Identified in a patient with Noonan syndrome who also harbored a variant in the PTPN11 gene (PMID: 34194850); This variant is associated with the following publications: (PMID: 34194850, 25614871, 25606676, 11038465, 8845844)

Blueprint Genetics
Classification: Uncertain significance. Last evaluated: 2018-12-31. Review status: criteria provided, single submitter. Criteria: ACMG Guidelines, 2015. Collection method: clinical testing. Allele origin: germline.

Literature cited by the submitters: PubMed 34194850 (cited by Genomenon, Inc).

NM_000142.5(FGFR3):c.746C>A (p.Ser249Tyr)

Gene: FGFR3 (fibroblast growth factor receptor 3; plus strand). Cytogenetic location: 4p16.3.
Variant type: single nucleotide variant.
Coding change: c.746C>A on transcript NM_000142.5 (MANE Select); coding-DNA position 746, C replaced by A.
Protein change: p.Ser249Tyr; replaces serine 249 with tyrosine.
Molecular consequence: missense variant. On other transcripts: non-coding transcript variant (1).
Genome position (GRCh38, 1-based): chr4:1,801,841, C>A. VCF-style: chr4-1801841-C-A. GRCh37 (hg19) VCF-style: chr4-1803568-C-A.
Other names: c.746C>A, p.Ser249Tyr (NM_001163213.2, NM_001354809.2, NM_001354810.2 and 1 more transcripts); short protein forms S249Y.
Identifiers: ClinVar variation 4056874 (VCV004056874.3).